The following is an entry in ClinVar:

ClinVar aggregate classification (germline): Likely benign (1 of 4 stars; one submission).

Allele frequency attached by ClinVar (database versions not stated): ExAC 0.00001; gnomAD 0.00001.
gnomAD v4.1: 32 of 1,613,500 alleles (0.002%); highest among the groups gnomAD compares: Middle Eastern, 0.016%; no homozygotes.

Submission:

CeGaT Center for Human Genetics Tuebingen
Classification: Likely benign. Last evaluated: 2023-02-01. Review status: criteria provided, single submitter. Criteria: CeGaT Center For Human Genetics Tuebingen Variant Classification Criteria Version 2. Collection method: clinical testing. Allele origin: germline. Affected: yes. Observed: 1 variant allele.
Comment: PCYT2: BP4, BP7

NM_002861.5(PCYT2):c.870C>T (p.Tyr290=)

Gene: PCYT2 (phosphate cytidylyltransferase 2, ethanolamine; minus strand). Cytogenetic location: 17q25.3.
Variant type: single nucleotide variant.
Coding change: c.870C>T on transcript NM_002861.5 (MANE Select); coding-DNA position 870, C replaced by T.
Protein change: p.Tyr290=; no amino-acid change (tyrosine 290 retained).
Molecular consequence: synonymous variant.
Genome position (GRCh38, 1-based): chr17:81,905,703, G>A on the plus strand (C>T on the coding strand, the complement: PCYT2 is on the minus strand). VCF-style: chr17-81905703-G-A. GRCh37 (hg19) VCF-style: chr17-79863579-G-A.
Other names: c.924C>T, p.Tyr308= (NM_001184917.3); c.708C>T, p.Tyr236= (NM_001256433.3); c.747C>T, p.Tyr249= (NM_001256434.3); c.636C>T, p.Tyr212= (NM_001256435.3, NM_001282203.2); c.774C>T, p.Tyr258= (NM_001282204.2); c.870C>T, p.Tyr290= (NM_001330518.2).
Identifiers: ClinVar variation 2648469 (VCV002648469.24), dbSNP rs200987223, ClinGen allele CA8844171.